The following is an entry in ClinVar:

ClinVar aggregate classification (germline): Likely benign. Review status: criteria provided, multiple submitters, no conflicts (2 of 4 stars). 7 submissions from 7 submitters: Likely benign (6). 1 of the submissions does not count toward it. Last evaluated 2026-02-02.

Conditions:
Retinal arterial tortuosity. Also called: Retinal arteries, tortuosity of; RETINAL HEMORRHAGE WITH VASCULAR TORTUOSITY. Identifiers: Orphanet 75326, MedGen C0423401, MONDO:0008373, OMIM 180000, HP:0000631.
Autosomal dominant familial hematuria-retinal arteriolar tortuosity-contractures syndrome. Also called: Hereditary Angiopathy with Nephropathy, Aneurysms, and Muscle Cramps (HANAC) Syndrome; Angiopathy, hereditary, with nephropathy, aneurysms, and muscle cramps. Identifiers: Orphanet 73229, MedGen C2673195, MONDO:0012726, OMIM 611773.
Brain small vessel disease 1 with or without ocular anomalies (BSVD1). Also called: Brain small vessel disease with or without ocular anomalies; GOULD SYNDROME 1; PORENCEPHALY, TYPE 1, AUTOSOMAL DOMINANT; BRAIN SMALL VESSEL DISEASE WITH HEMORRHAGE. Identifiers: Orphanet 2940, Orphanet 36383, Orphanet 99810, MedGen C4755307, MONDO:0008289, OMIM 175780.
Hemorrhage, intracerebral, susceptibility to (ICH). Also called: Stroke, hemorrhagic, susceptibility to. Identifiers: MedGen C3281105, MONDO:0100533, OMIM 614519.
Microangiopathy and leukoencephalopathy, pontine, autosomal dominant. Also called: Pontine autosomal dominant microangiopathy with leukoencephalopathy; DEMENTIA, HEREDITARY MULTI-INFARCT, SWEDISH TYPE. Identifiers: Orphanet 477749, MedGen C5231411, MONDO:0032814, OMIM 618564.
COL4A1-related disorder. Also called: COL4A1-related disorders; COL4A1-related condition. Identifiers: MedGen CN376119, MONDO:0800461.
Inborn genetic diseases. Identifiers: MedGen C0950123, MeSH D030342.

Allele frequency attached by ClinVar (database versions not stated): gnomAD exomes 0.00005 and 0.00013; ExAC 0.00018; 1000 Genomes Project 30x 0.00031; ESP Exome Variant Server 0.00038; 1000 Genomes Project 0.00040; gnomAD 0.00072 and 0.00076; TOPMed 0.00110.
gnomAD v4.1: 185 of 1,612,234 alleles (0.011%); highest among the groups gnomAD compares: African/African-American, 0.17%; 1 homozygote.

Submissions (7):

Labcorp Genetics (formerly Invitae), Labcorp
Classification: Likely benign. Last evaluated: 2026-02-02. Review status: criteria provided, single submitter. Criteria: Invitae Variant Classification Sherloc (09022015). Collection method: clinical testing. Allele origin: germline.

Mayo Clinic Laboratories, Mayo Clinic
Classification: Likely benign. Last evaluated: 2025-05-13. Review status: criteria provided, single submitter. Criteria: ACMG Guidelines, 2015. Collection method: clinical testing. Allele origin: germline. Observed: 2 variant alleles.
Comment: BS1, BP4

Ambry Genetics
Classification: Likely benign for Inborn genetic diseases. Last evaluated: 2024-04-20. Review status: criteria provided, single submitter. Criteria: Ambry Variant Classification Scheme 2023. Collection method: clinical testing. Allele origin: germline.

Blueprint Genetics
Classification: Likely benign. Last evaluated: 2023-09-29. Review status: criteria provided, single submitter. Criteria: ACMG Guidelines, 2015. Collection method: clinical testing. Allele origin: germline.

Fulgent Genetics
Classification: Likely benign for Brain small vessel disease 1 with or without ocular anomalies; Retinal arterial tortuosity; Autosomal dominant familial hematuria-retinal arteriolar tortuosity-contractures syndrome; Hemorrhage, intracerebral, susceptibility to; Microangiopathy and leukoencephalopathy, pontine, autosomal dominant. Last evaluated: 2021-10-14. Review status: criteria provided, single submitter. Criteria: ACMG Guidelines, 2015. Collection method: clinical testing. Allele origin: unknown.

Breakthrough Genomics
Classification: Likely benign. Review status: criteria provided, single submitter. Criteria: ACMG Guidelines, 2015. Collection method: not provided. Allele origin: germline. Inheritance: Autosomal dominant inheritance. Affected: yes.

PreventionGenetics, part of Exact Sciences
Classification: Likely benign for COL4A1-related condition. Last evaluated: 2022-10-24. Review status: no assertion criteria provided. Collection method: clinical testing. Allele origin: germline. Not counted in ClinVar's aggregate classification.
Comment: This variant is classified as likely benign based on ACMG/AMP sequence variant interpretation guidelines (Richards et al. 2015 PMID: 25741868, with internal and published modifications).

NM_001845.6(COL4A1):c.2392G>C (p.Val798Leu)

Gene: COL4A1 (collagen type IV alpha 1 chain; minus strand). Cytogenetic location: 13q34.
Variant type: single nucleotide variant.
Coding change: c.2392G>C on transcript NM_001845.6 (MANE Select); coding-DNA position 2392, G replaced by C.
Protein change: p.Val798Leu; replaces valine 798 with leucine.
Molecular consequence: missense variant.
Genome position (GRCh38, 1-based): chr13:110,178,989, C>G on the plus strand (G>C on the coding strand, the complement: COL4A1 is on the minus strand). VCF-style: chr13-110178989-C-G. GRCh37 (hg19) VCF-style: chr13-110831336-C-G.
Other names: p.Val798Leu; c.2392G>C (NM_001845.4); short protein forms V798L.
Identifiers: ClinVar variation 710886 (VCV000710886.17), dbSNP rs146950993, ClinGen allele CA7047606.